The following is an entry in ClinVar:

NM_130384.3(ATRIP):c.883A>G (p.Lys295Glu)

Genes: ATRIP (ATR interacting protein; plus strand), ATRIP-TREX1 (ATRIP-TREX1 readthrough; plus strand). Cytogenetic location: 3p21.31.
Variant type: single nucleotide variant.
Coding change: c.883A>G on transcript NM_130384.3 (MANE Select); coding-DNA position 883, A replaced by G.
Protein change: p.Lys295Glu; replaces lysine 295 with glutamic acid.
Molecular consequence: missense variant. On other transcripts: non-coding transcript variant (1).
Genome position (GRCh38, 1-based): chr3:48,459,412, A>G. VCF-style: chr3-48459412-A-G. GRCh37 (hg19) VCF-style: chr3-48500811-A-G.
Other names: c.502A>G, p.Lys168Glu (NM_001271022.2); c.604A>G, p.Lys202Glu (NM_001271023.2); c.883A>G, p.Lys295Glu (NM_032166.4); short protein forms K168E, K202E, K295E.
Identifiers: ClinVar variation 4867250 (VCV004867250.1).

ClinVar aggregate classification (germline): Uncertain significance (1 of 4 stars; one submission).

Submission:

Ambry Genetics
Classification: Uncertain significance. Last evaluated: 2026-05-21. Review status: criteria provided, single submitter. Criteria: Ambry Variant Classification Scheme 2023. Collection method: clinical testing. Allele origin: germline.
Comment: The p.K295E variant (also known as c.883A>G), located in coding exon 6 of the ATRIP gene, results from an A to G substitution at nucleotide position 883. The lysine at codon 295 is replaced by glutamic acid, an amino acid with similar properties. This amino acid position is conserved. In addition, this alteration is predicted to be tolerated by in silico analysis. Based on the available evidence, the clinical significance of this variant remains unclear.